The following is an entry in ClinVar:

ClinVar aggregate classification (germline): Uncertain significance (1 of 4 stars; one submission).

gnomAD v4.1: 4 of 1,613,974 alleles (0.00025%); highest among the groups gnomAD compares: Non-Finnish European, 0.00034%; no homozygotes.

Submission:

Labcorp Genetics (formerly Invitae), Labcorp
Classification: Uncertain significance. Last evaluated: 2025-04-11. Review status: criteria provided, single submitter. Criteria: Invitae Variant Classification Sherloc (09022015). Collection method: clinical testing. Allele origin: germline.
Comment: This sequence change replaces aspartic acid, which is acidic and polar, with glycine, which is neutral and non-polar, at codon 1314 of the FN1 protein (p.Asp1314Gly). This variant is present in population databases (no rsID available, gnomAD 0.0009%). This variant has not been reported in the literature in individuals affected with FN1-related conditions. An algorithm developed to predict the effect of missense changes on protein structure and function (PolyPhen-2) suggests that this variant is likely to be disruptive. In summary, the available evidence is currently insufficient to determine the role of this variant in disease. Therefore, it has been classified as a Variant of Uncertain Significance.

NM_212482.4(FN1):c.3941A>G (p.Asp1314Gly)

Gene: FN1 (fibronectin 1; minus strand). Cytogenetic location: 2q35.
Variant type: single nucleotide variant.
Coding change: c.3941A>G on transcript NM_212482.4 (MANE Select); coding-DNA position 3941, A replaced by G.
Protein change: p.Asp1314Gly; replaces aspartic acid 1314 with glycine.
Molecular consequence: missense variant. On other transcripts: intron variant (10).
Genome position (GRCh38, 1-based): chr2:215,393,059, T>C on the plus strand (A>G on the coding strand, the complement: FN1 is on the minus strand). VCF-style: chr2-215393059-T-C. GRCh37 (hg19) VCF-style: chr2-216257782-T-C.
Other names: c.3941A>G, p.Asp1314Gly (NM_001306129.2, NM_001306130.2, NM_001365517.2 and 3 more transcripts); c.3797-1245A>G (NM_212474.3, NM_001306132.2, NM_001365523.2 and 7 more transcripts); short protein forms D1314G.
Identifiers: ClinVar variation 4811987 (VCV004811987.1).